The following is an entry in ClinVar:

NM_002291.3(LAMB1):c.4217G>A (p.Cys1406Tyr)

Gene: LAMB1 (laminin subunit beta 1; minus strand). Cytogenetic location: 7q31.1.
Variant type: single nucleotide variant.
Coding change: c.4217G>A on transcript NM_002291.3 (MANE Select); coding-DNA position 4217, G replaced by A.
Protein change: p.Cys1406Tyr; replaces cysteine 1406 with tyrosine.
Molecular consequence: missense variant.
Genome position (GRCh38, 1-based): chr7:107,932,349, C>T on the plus strand (G>A on the coding strand, the complement: LAMB1 is on the minus strand). VCF-style: chr7-107932349-C-T. GRCh37 (hg19) VCF-style: chr7-107572794-C-T.
Other names: short protein forms C1406Y.
Identifiers: ClinVar variation 4775252 (VCV004775252.1).
Genomic context (GRCh38, chr7:107,932,349, plus strand): 5'-CCACACTTCCTCTCTCCTTCGTCAGTTCTGCAGTTTGGCCCGCCACATTCAGTCTCGGAA[C>T]AGGAGGCCCCTGGGGGTGTTCCACAGGTCTGCAACAAGCCAAGGATCAGGCACAATACTT-3'
Protein context (NP_002282.2, residues 1396-1416): MTCGTPPGAS[Cys1406Tyr]SETECGGPNC

ClinVar aggregate classification (germline): Uncertain significance (1 of 4 stars; one submission).

gnomAD v4.1: 5 of 1,614,216 alleles (0.00031%); highest among the groups gnomAD compares: African/African-American, 0.004%; no homozygotes.

Submission:

Labcorp Genetics (formerly Invitae), Labcorp
Classification: Uncertain significance. Last evaluated: 2026-01-07. Review status: criteria provided, single submitter. Criteria: Invitae Variant Classification Sherloc (09022015). Collection method: clinical testing. Allele origin: germline.
Comment: This sequence change replaces cysteine, which is neutral and slightly polar, with tyrosine, which is neutral and polar, at codon 1406 of the LAMB1 protein (p.Cys1406Tyr). This variant is present in population databases (rs565504939, gnomAD 0.007%). This variant has not been reported in the literature in individuals affected with LAMB1-related conditions. An algorithm developed to predict the effect of missense changes on protein structure and function (PolyPhen-2) suggests that this variant is likely to be disruptive. In summary, the available evidence is currently insufficient to determine the role of this variant in disease. Therefore, it has been classified as a Variant of Uncertain Significance.